The following is an entry in ClinVar:

ClinVar aggregate classification (germline): Uncertain significance. Review status: criteria provided, multiple submitters, no conflicts (2 of 4 stars). 2 submissions from 2 submitters: Uncertain significance (2). Last evaluated 2025-03-20.

Conditions:
Inborn genetic diseases. Identifiers: MedGen C0950123, MeSH D030342.
Fanconi anemia (FA). Also called: Fanconi's anemia. Identifiers: Orphanet 84, MedGen C0015625, MeSH D005199, MONDO:0019391.

Allele frequency attached by ClinVar (database versions not stated): gnomAD exomes below 0.00001.
gnomAD v4.1: 2 of 1,601,228 alleles (0.00012%); highest among the groups gnomAD compares: Non-Finnish European, 0.00017%; no homozygotes.

Submissions (2):

Ambry Genetics
Classification: Uncertain significance for Inborn genetic diseases. Last evaluated: 2025-03-20. Review status: criteria provided, single submitter. Criteria: Ambry Variant Classification Scheme 2023. Collection method: clinical testing. Allele origin: germline.
Comment: The p.K1267Q variant (also known as c.3799A>C), located in coding exon 14 of the FANCM gene, results from an A to C substitution at nucleotide position 3799. The lysine at codon 1267 is replaced by glutamine, an amino acid with similar properties. This amino acid position is conserved. In addition, this alteration is predicted to be tolerated by in silico analysis. Based on the available evidence, the clinical significance of this variant remains unclear.

Labcorp Genetics (formerly Invitae), Labcorp
Classification: Uncertain significance for Fanconi anemia. Last evaluated: 2020-08-27. Review status: criteria provided, single submitter. Criteria: Invitae Variant Classification Sherloc (09022015). Collection method: clinical testing. Allele origin: germline.
Comment: This variant has not been reported in the literature in individuals with FANCM-related conditions. This variant is not present in population databases (ExAC no frequency). This sequence change replaces lysine with glutamine at codon 1267 of the FANCM protein (p.Lys1267Gln). The lysine residue is weakly conserved and there is a small physicochemical difference between lysine and glutamine. Algorithms developed to predict the effect of missense changes on protein structure and function (SIFT, PolyPhen-2, Align-GVGD) all suggest that this variant is likely to be tolerated, but these predictions have not been confirmed by published functional studies and their clinical significance is uncertain. In summary, the available evidence is currently insufficient to determine the role of this variant in disease. Therefore, it has been classified as a Variant of Uncertain Significance.

NM_020937.4(FANCM):c.3799A>C (p.Lys1267Gln)

Gene: FANCM (FA complementation group M; plus strand). Cytogenetic location: 14q21.2.
Variant type: single nucleotide variant.
Coding change: c.3799A>C on transcript NM_020937.4 (MANE Select); coding-DNA position 3799, A replaced by C.
Protein change: p.Lys1267Gln; replaces lysine 1267 with glutamine.
Molecular consequence: missense variant.
Genome position (GRCh38, 1-based): chr14:45,176,553, A>C. VCF-style: chr14-45176553-A-C. GRCh37 (hg19) VCF-style: chr14-45645756-A-C.
Other names: c.3799A>C (NM_020937.2); c.3721A>C, p.Lys1241Gln (NM_001308133.2); short protein forms K1241Q, K1267Q.
Identifiers: ClinVar variation 1000098 (VCV001000098.9), dbSNP rs1888716067, ClinGen allele CA389603079.
Genomic context (GRCh38, chr14:45,176,553, plus strand): 5'-GAACATACATCAGATAGCAATAGACCTCTAGATGATCTATATGGAAGGTATTTGGAAATT[A>C]AGGAGATAAGTGATGCAAATTATGTTTCGAATCAAGCACTAATACCAAGAGATCATAGTA-3'
Protein context (NP_065988.1, residues 1257-1277): DDLYGRYLEI[Lys1267Gln]EISDANYVSN